The following is an entry in ClinVar:

ClinVar aggregate classification (germline): Uncertain significance (1 of 4 stars; one submission).

Conditions:
Primary ciliary dyskinesia. Also called: Ciliary dyskinesia. Identifiers: Orphanet 244, MedGen C0008780, MONDO:0016575, HP:0012265.

gnomAD v4.1: 3 of 1,613,350 alleles (0.00019%); highest among the groups gnomAD compares: Non-Finnish European, 0.000085%; no homozygotes.

Submission:

Labcorp Genetics (formerly Invitae), Labcorp
Classification: Uncertain significance for Primary ciliary dyskinesia. Last evaluated: 2021-06-04. Review status: criteria provided, single submitter. Criteria: Invitae Variant Classification Sherloc (09022015). Collection method: clinical testing. Allele origin: germline.
Comment: In summary, the available evidence is currently insufficient to determine the role of this variant in disease. Therefore, it has been classified as a Variant of Uncertain Significance. Algorithms developed to predict the effect of missense changes on protein structure and function are either unavailable or do not agree on the potential impact of this missense change (SIFT: "Deleterious"; PolyPhen-2: "Not Available"; Align-GVGD: "Class C0"). This variant has not been reported in the literature in individuals with DNAH8-related conditions. This variant is not present in population databases (ExAC no frequency). This sequence change replaces threonine with alanine at codon 1467 of the DNAH8 protein (p.Thr1467Ala). The threonine residue is highly conserved and there is a small physicochemical difference between threonine and alanine.

NM_001206927.2(DNAH8):c.4399A>G (p.Thr1467Ala)

Gene: DNAH8 (dynein axonemal heavy chain 8; plus strand). Cytogenetic location: 6p21.2.
Variant type: single nucleotide variant.
Coding change: c.4399A>G on transcript NM_001206927.2 (MANE Select); coding-DNA position 4399, A replaced by G.
Protein change: p.Thr1467Ala; replaces threonine 1467 with alanine.
Molecular consequence: missense variant.
Genome position (GRCh38, 1-based): chr6:38,837,975, A>G. VCF-style: chr6-38837975-A-G. GRCh37 (hg19) VCF-style: chr6-38805751-A-G.
Other names: c.3748A>G, p.Thr1250Ala (NM_001371.4); short protein forms T1250A, T1467A.
Identifiers: ClinVar variation 1396008 (VCV001396008.4), dbSNP rs2150363702, ClinGen allele CA364001063.